The following is an entry in ClinVar:

NM_004364.5(CEBPA):c.593C>T (p.Pro198Leu)

Gene: CEBPA (CCAAT enhancer binding protein alpha; minus strand). Cytogenetic location: 19q13.11.
Variant type: single nucleotide variant.
Coding change: c.593C>T on transcript NM_004364.5 (MANE Select); coding-DNA position 593, C replaced by T.
Protein change: p.Pro198Leu; replaces proline 198 with leucine.
Molecular consequence: missense variant.
Genome position (GRCh38, 1-based): chr19:33,301,822, G>A on the plus strand (C>T on the coding strand, the complement: CEBPA is on the minus strand). VCF-style: chr19-33301822-G-A. GRCh37 (hg19) VCF-style: chr19-33792728-G-A.
Other names: c.593C>T (NM_004364.3); c.236C>T, p.Pro79Leu (NM_001285829.2); c.698C>T, p.Pro233Leu (NM_001287424.2); c.551C>T, p.Pro184Leu (NM_001287435.2); short protein forms P198L, P233L, P79L, P184L.
Identifiers: ClinVar variation 569648 (VCV000569648.9), dbSNP rs1568419736, ClinGen allele CA405274619.

ClinVar aggregate classification (germline): Conflicting classifications of pathogenicity. Review status: criteria provided, conflicting classifications (1 of 4 stars). 2 submissions from 2 submitters: Uncertain significance (1); Likely benign (1). Last evaluated 2025-12-09.

Conditions:
Inborn genetic diseases. Identifiers: MedGen C0950123, MeSH D030342.
Acute myeloid leukemia (AML). Also called: Leukemia, acute myeloid, somatic; Leukemia, acute myelogenous, somatic; Acute myeloid leukemia, adult; AML adult; Acute non-lymphocytic leukemia; Acute granulocytic leukemia. Identifiers: Orphanet 519, MedGen C0023467, MeSH D015470, MONDO:0018874, OMIM 601626, HP:0004808. Disease mechanism: Constitutively activated FLT3.

Allele frequency attached by ClinVar (database versions not stated): gnomAD exomes below 0.00001; TOPMed below 0.00001; gnomAD 0.00001.
gnomAD v4.1: 2 of 1,263,662 alleles (0.00016%); highest among the groups gnomAD compares: Non-Finnish European, 0.000099%; no homozygotes.

Submissions (2):

Ambry Genetics
Classification: Likely benign for Inborn genetic diseases. Last evaluated: 2025-12-09. Review status: criteria provided, single submitter. Criteria: Ambry Variant Classification Scheme 2023. Collection method: clinical testing. Allele origin: germline.

Labcorp Genetics (formerly Invitae), Labcorp
Classification: Uncertain significance for Acute myeloid leukemia. Last evaluated: 2025-10-14. Review status: criteria provided, single submitter. Criteria: Invitae Variant Classification Sherloc (09022015). Collection method: clinical testing. Allele origin: germline.
Comment: This sequence change replaces proline, which is neutral and non-polar, with leucine, which is neutral and non-polar, at codon 198 of the CEBPA protein (p.Pro198Leu). This variant is not present in population databases (gnomAD no frequency). This variant has not been reported in the literature in individuals affected with CEBPA-related conditions. ClinVar contains an entry for this variant (Variation ID: 569648). Invitae Evidence Modeling of protein sequence and biophysical properties (such as structural, functional, and spatial information, amino acid conservation, physicochemical variation, residue mobility, and thermodynamic stability) indicates that this missense variant is not expected to disrupt CEBPA protein function with a negative predictive value of 80%. In summary, the available evidence is currently insufficient to determine the role of this variant in disease. Therefore, it has been classified as a Variant of Uncertain Significance.